The following is an entry in ClinVar:

NM_006415.4(SPTLC1):c.367G>A (p.Ala123Thr)

Gene: SPTLC1 (serine palmitoyltransferase long chain base subunit 1; minus strand). Cytogenetic location: 9q22.31.
Variant type: single nucleotide variant.
Coding change: c.367G>A on transcript NM_006415.4 (MANE Select); coding-DNA position 367, G replaced by A.
Protein change: p.Ala123Thr; replaces alanine 123 with threonine.
Molecular consequence: missense variant. On other transcripts: 5 prime UTR variant (2).
Genome position (GRCh38, 1-based): chr9:92,080,076, C>T on the plus strand (G>A on the coding strand, the complement: SPTLC1 is on the minus strand). VCF-style: chr9-92080076-C-T. GRCh37 (hg19) VCF-style: chr9-94842358-C-T.
Other names: c.367G>A, p.Ala123Thr (NM_001281303.2, NM_178324.3); c.-133G>A (NM_001368272.1); c.-99G>A (NM_001368273.1); short protein forms A123T.
Identifiers: ClinVar variation 1021849 (VCV001021849.25), dbSNP rs748384890, ClinGen allele CA5121586.

ClinVar aggregate classification (germline): Conflicting classifications of pathogenicity. Review status: criteria provided, conflicting classifications (1 of 4 stars). 3 submissions from 3 submitters: Uncertain significance (2); Likely benign (1). Last evaluated 2024-07-01.

Conditions:
Inborn genetic diseases. Identifiers: MedGen C0950123, MeSH D030342.
Hereditary sensory and autonomic neuropathy type 1 (HSAN1). Also called: HSAN 1; HSN Type I; Hereditary Sensory Neuropathy Type I. Identifiers: Orphanet 36386, MedGen C0020071, MONDO:0018213.

Allele frequency attached by ClinVar (database versions not stated): gnomAD exomes 0.00008 and 0.00006; gnomAD below 0.00001 and 0.00002; ExAC 0.00011.

Submissions (3):

CeGaT Center for Human Genetics Tuebingen
Classification: Uncertain significance. Last evaluated: 2024-07-01. Review status: criteria provided, single submitter. Criteria: CeGaT Center For Human Genetics Tuebingen Variant Classification Criteria Version 2. Collection method: clinical testing. Allele origin: germline. Affected: yes. Observed: 1 variant allele.

Labcorp Genetics (formerly Invitae), Labcorp
Classification: Uncertain significance for Hereditary sensory and autonomic neuropathy type 1. Last evaluated: 2023-02-23. Review status: criteria provided, single submitter. Criteria: Invitae Variant Classification Sherloc (09022015). Collection method: clinical testing. Allele origin: germline.
Comment: In summary, the available evidence is currently insufficient to determine the role of this variant in disease. Therefore, it has been classified as a Variant of Uncertain Significance. Advanced modeling of protein sequence and biophysical properties (such as structural, functional, and spatial information, amino acid conservation, physicochemical variation, residue mobility, and thermodynamic stability) performed at Invitae indicates that this missense variant is not expected to disrupt SPTLC1 protein function. ClinVar contains an entry for this variant (Variation ID: 1021849). This variant has not been reported in the literature in individuals affected with SPTLC1-related conditions. This variant is present in population databases (rs748384890, gnomAD 0.06%), and has an allele count higher than expected for a pathogenic variant. This sequence change replaces alanine, which is neutral and non-polar, with threonine, which is neutral and polar, at codon 123 of the SPTLC1 protein (p.Ala123Thr).

Ambry Genetics
Classification: Likely benign for Inborn genetic diseases. Last evaluated: 2020-11-10. Review status: criteria provided, single submitter. Criteria: Ambry Variant Classification Scheme 2023. Collection method: clinical testing. Allele origin: germline.